The following is an entry in ClinVar:

ClinVar aggregate classification (germline): Uncertain significance (1 of 4 stars; one submission).

Conditions:
Ectodermal dysplasia and immunodeficiency 2. Identifiers: Orphanet 238468, Orphanet 98813, MedGen C2677481, MONDO:0012806, OMIM 612132.

Allele frequency attached by ClinVar (database versions not stated): ExAC 0.00002.
gnomAD v4.1: 3 of 1,587,530 alleles (0.00019%); highest among the groups gnomAD compares: Non-Finnish European, 0.00017%; no homozygotes.

Submission:

Labcorp Genetics (formerly Invitae), Labcorp
Classification: Uncertain significance for Ectodermal dysplasia and immunodeficiency 2. Last evaluated: 2024-01-21. Review status: criteria provided, single submitter. Criteria: Invitae Variant Classification Sherloc (09022015). Collection method: clinical testing. Allele origin: germline.
Comment: This sequence change replaces leucine, which is neutral and non-polar, with valine, which is neutral and non-polar, at codon 70 of the NFKBIA protein (p.Leu70Val). This variant is present in population databases (rs755146648, gnomAD 0.002%). This variant has not been reported in the literature in individuals affected with NFKBIA-related conditions. Algorithms developed to predict the effect of missense changes on protein structure and function output the following: SIFT: "Not Available"; PolyPhen-2: "Benign"; Align-GVGD: "Not Available". The valine amino acid residue is found in multiple mammalian species, which suggests that this missense change does not adversely affect protein function. In summary, the available evidence is currently insufficient to determine the role of this variant in disease. Therefore, it has been classified as a Variant of Uncertain Significance.

NM_020529.3(NFKBIA):c.208C>G (p.Leu70Val)

Gene: NFKBIA (NFKB inhibitor alpha; minus strand). Cytogenetic location: 14q13.2.
Variant type: single nucleotide variant.
Coding change: c.208C>G on transcript NM_020529.3 (MANE Select); coding-DNA position 208, C replaced by G.
Protein change: p.Leu70Val; replaces leucine 70 with valine.
Molecular consequence: missense variant.
Genome position (GRCh38, 1-based): chr14:35,404,437, G>C on the plus strand (C>G on the coding strand, the complement: NFKBIA is on the minus strand). VCF-style: chr14-35404437-G-C. GRCh37 (hg19) VCF-style: chr14-35873643-G-C.
Other names: short protein forms L70V.
Identifiers: ClinVar variation 2726107 (VCV002726107.3), dbSNP rs755146648, ClinGen allele CA7155574.
Genomic context (GRCh38, chr14:35,404,437, plus strand): 5'-GCCCTCCCGACGACCCCCAGCCCCGGGCCTCCGCCACTTACGAGTCCCCGTCCTCGGTGA[G>C]CTGCTGCTTCCAGGGCTCCGAGCCGCGCGGCACCTCCTGCGGCTCGAGGCGGATCTCCTG-3'
Protein context (NP_065390.1, residues 60-80): PRGSEPWKQQ[Leu70Val]TEDGDSFLHL